The following is an entry in ClinVar:

NM_006231.4(POLE):c.4211A>C (p.Glu1404Ala)

Gene: POLE (DNA polymerase epsilon, catalytic subunit; minus strand). Cytogenetic location: 12q24.33.
Variant type: single nucleotide variant.
Coding change: c.4211A>C on transcript NM_006231.4 (MANE Select); coding-DNA position 4211, A replaced by C.
Protein change: p.Glu1404Ala; replaces glutamic acid 1404 with alanine.
Molecular consequence: missense variant.
Genome position (GRCh38, 1-based): chr12:132,643,916, T>G on the plus strand (A>C on the coding strand, the complement: POLE is on the minus strand). VCF-style: chr12-132643916-T-G. GRCh37 (hg19) VCF-style: chr12-133220502-T-G.
Other names: short protein forms E1404A.
Identifiers: ClinVar variation 5027038 (VCV005027038.1).

ClinVar aggregate classification (germline): Uncertain significance (1 of 4 stars; one submission).

Conditions:
Hereditary cancer-predisposing syndrome. Also called: Neoplastic Syndromes, Hereditary; Tumor predisposition; Hereditary neoplastic syndrome; Hereditary Cancer Syndrome. Identifiers: Orphanet 140162, MedGen C0027672, MeSH D009386, MONDO:0015356.

Submission:

Ambry Genetics
Classification: Uncertain significance for Hereditary cancer-predisposing syndrome. Last evaluated: 2026-08-02. Review status: criteria provided, single submitter. Criteria: Ambry Variant Classification Scheme 2023. Collection method: clinical testing. Allele origin: germline.
Comment: The p.E1404A variant (also known as c.4211A>C), located in coding exon 33 of the POLE gene, results from an A to C substitution at nucleotide position 4211. The glutamic acid at codon 1404 is replaced by alanine, an amino acid with dissimilar properties. This amino acid position is conserved. In addition, the in silico prediction for this alteration is inconclusive. Based on the available evidence, the clinical significance of this variant remains unclear.